The following is an entry in ClinVar:

NM_016204.4(GDF2):c.61C>T (p.Gln21Ter)

Gene: GDF2 (growth differentiation factor 2; plus strand). Cytogenetic location: 10q11.22.
Variant type: single nucleotide variant.
Coding change: c.61C>T on transcript NM_016204.4 (MANE Select); coding-DNA position 61, C replaced by T.
Protein change: p.Gln21Ter; replaces glutamine 21 with a stop codon.
Molecular consequence: nonsense.
Genome position (GRCh38, 1-based): chr10:47,322,729, C>T. VCF-style: chr10-47322729-C-T. GRCh37 (hg19) VCF-style: chr10-48416633-G-A.
Other names: short protein forms Q21*.
Identifiers: ClinVar variation 3714037 (VCV003714037.2).

ClinVar aggregate classification (germline): Pathogenic (1 of 4 stars; one submission).

Conditions:
Telangiectasia, hereditary hemorrhagic, type 5 (HHT5). Identifiers: Orphanet 774, MedGen C3809710, MONDO:0014217, OMIM 615506.

Submission:

Labcorp Genetics (formerly Invitae), Labcorp
Classification: Pathogenic for Telangiectasia, hereditary hemorrhagic, type 5. Last evaluated: 2024-05-28. Review status: criteria provided, single submitter. Criteria: Invitae Variant Classification Sherloc (09022015). Collection method: clinical testing. Allele origin: germline.
Comment: This sequence change creates a premature translational stop signal (p.Gln21*) in the GDF2 gene. It is expected to result in an absent or disrupted protein product. Loss-of-function variants in GDF2 are known to be pathogenic (PMID: 26801773, 31661308, 31727138). This variant is not present in population databases (gnomAD no frequency). This variant has not been reported in the literature in individuals affected with GDF2-related conditions. For these reasons, this variant has been classified as Pathogenic.

Literature cited by the submitters: PubMed 26801773; PubMed 31661308; PubMed 31727138.